The following is an entry in ClinVar:

NM_054027.6(ANKH):c.1370AGA[1] (p.Lys458del)

Genes: ANKH (ANKH inorganic pyrophosphate transport regulator; minus strand), OTULIN (OTU deubiquitinase with linear linkage specificity; plus strand). Cytogenetic location: 5p15.2.
Variant type: Microsatellite.
Coding change: c.1370AGA[1] on transcript NM_054027.6 (MANE Select); one copy of the 3-base unit AGA starting at c.1370; the reference has two copies in a row; one copy, 3 bases deleted.
Protein change: p.Lys458del; deletes lysine 458.
Molecular consequence: inframe deletion.
Genome position (GRCh38, 1-based): chr5:14,711,301-14,711,303, TCT deleted on the plus strand (AGA on the coding strand, the reverse complement: ANKH is on the minus strand); deleting any 3 consecutive bases within chr5:14,711,301-14,711,307 gives the same sequence; the position shown is the placement nearest the transcript's 3' end. VCF-style (leftmost placement, unchanged base first): chr5-14711300-ATCT-A. GRCh37 (hg19) VCF-style: chr5-14711409-ATCT-A.
Other names: short protein forms K458del.
Identifiers: ClinVar variation 1924510 (VCV001924510.5), dbSNP rs770468766, ClinGen allele CA3208797.

ClinVar aggregate classification (germline): Uncertain significance (1 of 4 stars; one submission).

Submission:

Labcorp Genetics (formerly Invitae), Labcorp
Classification: Uncertain significance. Last evaluated: 2022-09-19. Review status: criteria provided, single submitter. Criteria: Invitae Variant Classification Sherloc (09022015). Collection method: clinical testing. Allele origin: germline.
Comment: This variant is present in population databases (rs770468766, gnomAD 0.004%). In summary, the available evidence is currently insufficient to determine the role of this variant in disease. Therefore, it has been classified as a Variant of Uncertain Significance. Experimental studies and prediction algorithms are not available or were not evaluated, and the functional significance of this variant is currently unknown. This variant has not been reported in the literature in individuals affected with ANKH-related conditions. This variant, c.1373_1375del, results in the deletion of 1 amino acid(s) of the ANKH protein (p.Lys458del), but otherwise preserves the integrity of the reading frame.